The following is an entry in ClinVar:

ClinVar aggregate classification (germline): Benign (0 of 4 stars; one submission).

Conditions:
CHD3-related disorder. Also called: CHD3-related condition.

Allele frequency attached by ClinVar (database versions not stated): ESP Exome Variant Server 0.00015; gnomAD 0.00032; TOPMed 0.00045; ExAC 0.00047; 1000 Genomes Project 0.00140; 1000 Genomes Project 30x 0.00172.
gnomAD v4.1: 512 of 1,570,776 alleles (0.033%); highest among the groups gnomAD compares: East Asian, 0.15%; no homozygotes.

Submission:

PreventionGenetics, part of Exact Sciences
Classification: Benign for CHD3-related condition. Last evaluated: 2019-06-25. Review status: no assertion criteria provided. Collection method: clinical testing. Allele origin: germline.
Comment: This variant is classified as benign based on ACMG/AMP sequence variant interpretation guidelines (Richards et al. 2015 PMID: 25741868, with internal and published modifications).

NM_001005273.3(CHD3):c.720C>T (p.Pro240=)

Gene: CHD3 (chromodomain helicase DNA binding protein 3; plus strand). Cytogenetic location: 17p13.1.
Variant type: single nucleotide variant.
Coding change: c.720C>T on transcript NM_001005273.3 (MANE Select); coding-DNA position 720, C replaced by T.
Protein change: p.Pro240=; no amino-acid change (proline 240 retained).
Molecular consequence: synonymous variant.
Genome position (GRCh38, 1-based): chr17:7,893,496, C>T. VCF-style: chr17-7893496-C-T. GRCh37 (hg19) VCF-style: chr17-7796814-C-T.
Other names: c.897C>T, p.Pro299= (NM_001005271.3); c.720C>T, p.Pro240= (NM_005852.4).
Identifiers: ClinVar variation 3042436 (VCV003042436.2), dbSNP rs141834994, ClinGen allele CA8362441.